The following is an entry in ClinVar:

ClinVar aggregate classification (germline): Likely pathogenic. Review status: criteria provided, multiple submitters, no conflicts (2 of 4 stars). 3 submissions from 3 submitters: Likely pathogenic (3). Last evaluated 2026-02-03.

Conditions:
Endometrial carcinoma. Also called: Endometrial carcinoma, somatic. Identifiers: MedGen C0476089, MONDO:0002447, OMIM 608089, HP:0012114.
Hereditary cancer-predisposing syndrome. Also called: Neoplastic Syndromes, Hereditary; Tumor predisposition; Hereditary Cancer Syndrome; Hereditary neoplastic syndrome. Identifiers: Orphanet 140162, MedGen C0027672, MeSH D009386, MONDO:0015356.

Submissions (3):

Ambry Genetics
Classification: Likely pathogenic for Hereditary cancer-predisposing syndrome. Last evaluated: 2026-02-03. Review status: criteria provided, single submitter. Criteria: Ambry Variant Classification Scheme 2023. Collection method: clinical testing. Allele origin: germline.
Comment: The c.2085-2A>G intronic variant results from an A to G substitution two nucleotides upstream from coding exon 15 in the MSH3 gene. This variant is considered to be rare based on population cohorts in the Genome Aggregation Database (gnomAD). This nucleotide position is highly conserved in available vertebrate species. In silico splice site analysis predicts that this alteration will weaken the native splice acceptor site. Variants that disrupt the canonical splice site are expected to cause aberrant splicing, resulting in an abnormal protein or a transcript that is subject to nonsense-mediated mRNA decay. As such, this variant is classified as likely pathogenic.

Baylor Genetics
Classification: Likely pathogenic for Endometrial carcinoma. Last evaluated: 2023-07-12. Review status: criteria provided, single submitter. Criteria: ACMG Guidelines, 2015. Collection method: clinical testing. Allele origin: unknown.

Labcorp Genetics (formerly Invitae), Labcorp
Classification: Likely pathogenic. Last evaluated: 2022-06-13. Review status: criteria provided, single submitter. Criteria: Invitae Variant Classification Sherloc (09022015). Collection method: clinical testing. Allele origin: germline.
Comment: This sequence change affects an acceptor splice site in intron 14 of the MSH3 gene. It is expected to disrupt RNA splicing. Variants that disrupt the donor or acceptor splice site typically lead to a loss of protein function (PMID: 16199547), and loss-of-function variants in MSH3 are known to be pathogenic (PMID: 27476653). This variant is not present in population databases (gnomAD no frequency). This variant has not been reported in the literature in individuals affected with MSH3-related conditions. Algorithms developed to predict the effect of sequence changes on RNA splicing suggest that this variant may disrupt the consensus splice site. In summary, the currently available evidence indicates that the variant is pathogenic, but additional data are needed to prove that conclusively. Therefore, this variant has been classified as Likely Pathogenic.

Literature cited by the submitters: PubMed 16199547 (cited by Labcorp Genetics (formerly Invitae), Labcorp); PubMed 27476653 (cited by Labcorp Genetics (formerly Invitae), Labcorp).

NM_002439.5(MSH3):c.2085-2A>G

Gene: MSH3 (mutS homolog 3; plus strand). Cytogenetic location: 5q14.1.
Variant type: single nucleotide variant.
Coding change: c.2085-2A>G on transcript NM_002439.5 (MANE Select); the canonical splice acceptor site of the intron before coding-DNA position 2085, A replaced by G.
Molecular consequence: splice acceptor variant.
Genome position (GRCh38, 1-based): chr5:80,768,833, A>G. VCF-style: chr5-80768833-A-G. GRCh37 (hg19) VCF-style: chr5-80064652-A-G.
Other names: c.2085-2A>G (NM_002439.3).
Identifiers: ClinVar variation 2005559 (VCV002005559.6), dbSNP rs2546774163, ClinGen allele CA360279146.